The following is an entry in ClinVar:

ClinVar aggregate classification (germline): Uncertain significance. Review status: criteria provided, multiple submitters, no conflicts (2 of 4 stars). 2 submissions from 2 submitters: Uncertain significance (2). Last evaluated 2023-10-09.

Allele frequency attached by ClinVar (database versions not stated): gnomAD 0.00001; TOPMed 0.00002.
gnomAD v4.1: 19 of 1,613,356 alleles (0.0012%); highest among the groups gnomAD compares: Non-Finnish European, 0.0015%; no homozygotes.

Submissions (2):

ARUP Laboratories, Molecular Genetics and Genomics, ARUP Laboratories
Classification: Uncertain significance. Last evaluated: 2023-10-09. Review status: criteria provided, single submitter. Criteria: ARUP Molecular Germline Variant Investigation Process 2024. Collection method: clinical testing. Allele origin: germline.

Biesecker Lab/Clinical Genomics Section, National Institutes of Health
Classification: Uncertain significance. Last evaluated: 2013-06-24. Review status: criteria provided, single submitter. Criteria: Ng et al. (Circ Cardiovasc Genet. 2013). Collection method: research. Allele origin: unknown. Observed: 1 variant allele. Study: ClinSeq.
Comment: The study set was not selected for affection status in relation to any cancer. Pathogenicity categories were based on literature curation. See Pubmed ID:23861362 for details.

Medical sequencing

NM_001267550.2(TTN):c.24302T>A (p.Ile8101Asn)

Gene: TTN (titin; minus strand). Cytogenetic location: 2q31.2.
Variant type: single nucleotide variant.
Coding change: c.24302T>A on transcript NM_001267550.2 (MANE Select); coding-DNA position 24302, T replaced by A.
Protein change: p.Ile8101Asn; replaces isoleucine 8101 with asparagine.
Molecular consequence: missense variant. On other transcripts: intron variant (3).
Genome position (GRCh38, 1-based): chr2:178,718,898, A>T on the plus strand (T>A on the coding strand, the complement: TTN is on the minus strand). VCF-style: chr2-178718898-A-T. GRCh37 (hg19) VCF-style: chr2-179583625-A-T.
Other names: c.23351T>A, p.Ile7784Asn (NM_001256850.1); c.20570T>A, p.Ile6857Asn (NM_133378.4); c.13282+19184T>A (NM_003319.4); c.13858+19184T>A (NM_133437.4); c.13657+19184T>A (NM_133432.3); short protein forms I6857N, I8101N, I7784N.
Identifiers: ClinVar variation 192011 (VCV000192011.2), dbSNP rs200423910, ClinGen allele CA238096.